The following is an entry in ClinVar:

NM_014908.4(DOLK):c.1011A>G (p.Arg337=)

Gene: DOLK (dolichol kinase; minus strand). Cytogenetic location: 9q34.11.
Variant type: single nucleotide variant.
Coding change: c.1011A>G on transcript NM_014908.4 (MANE Select); coding-DNA position 1011, A replaced by G.
Protein change: p.Arg337=; no amino-acid change (arginine 337 retained).
Molecular consequence: synonymous variant.
Genome position (GRCh38, 1-based): chr9:128,946,293, T>C on the plus strand (A>G on the coding strand, the complement: DOLK is on the minus strand). VCF-style: chr9-128946293-T-C. GRCh37 (hg19) VCF-style: chr9-131708572-T-C.
Identifiers: ClinVar variation 763751 (VCV000763751.14), dbSNP rs375939944, ClinGen allele CA5271646.

ClinVar aggregate classification (germline): Benign/Likely benign. Review status: criteria provided, multiple submitters, no conflicts (2 of 4 stars). 4 submissions from 4 submitters: Benign (1); Likely benign (3). Last evaluated 2026-08-27.

Conditions:
DK1-congenital disorder of glycosylation. Also called: DK1-CDG; CONGENITAL DISORDER OF GLYCOSYLATION, TYPE Im; CDG Im; DK1 DEFICIENCY; DOLICHOL KINASE DEFICIENCY; DOLK-congenital disorder of glycosylation. Identifiers: Orphanet 91131, MedGen C1835849, MONDO:0012556, OMIM 610768.
DOLK-related disorder. Also called: DOLK-related condition.
Cardiovascular phenotype. Identifiers: MedGen CN230736.

Allele frequency attached by ClinVar (database versions not stated): gnomAD exomes below 0.00001 and 0.00001; ExAC 0.00002; gnomAD 0.00005; TOPMed 0.00005; ESP Exome Variant Server 0.00008.
gnomAD v4.1: 11 of 1,613,978 alleles (0.00068%); highest among the groups gnomAD compares: African/African-American, 0.013%; no homozygotes.

Submissions (4):

PreventionGenetics, part of Exact Sciences
Classification: Likely benign for DOLK-related condition. Last evaluated: 2026-08-27. Review status: criteria provided, single submitter. Criteria: ACMG Guidelines, 2015. Collection method: clinical testing. Allele origin: germline.
Comment: This variant is classified as likely benign based on ACMG/AMP sequence variant interpretation guidelines (Richards et al. 2015 PMID: 25741868, with internal and published modifications).

Labcorp Genetics (formerly Invitae), Labcorp
Classification: Likely benign for DK1-congenital disorder of glycosylation. Last evaluated: 2026-01-26. Review status: criteria provided, single submitter. Criteria: Invitae Variant Classification Sherloc (09022015). Collection method: clinical testing. Allele origin: germline.

GeneDx
Classification: Benign. Last evaluated: 2021-12-29. Review status: criteria provided, single submitter. Criteria: GeneDx Variant Classification Process June 2021. Collection method: clinical testing. Allele origin: germline. Affected: yes.

Ambry Genetics
Classification: Likely benign for Cardiovascular phenotype. Last evaluated: 2021-04-12. Review status: criteria provided, single submitter. Criteria: Ambry Variant Classification Scheme 2023. Collection method: clinical testing. Allele origin: germline.